The following is an entry in ClinVar:

Conditions:
Long QT syndrome 5 (LQT5). Identifiers: Orphanet 101016, Orphanet 768, MedGen C1867904, MONDO:0013372, OMIM 613695.

Submission:

Roden Lab, Vanderbilt University Medical Center
No classification provided (evidence only). Condition: Long QT syndrome 5. Review status: no classification provided. Collection method: in vitro. Allele origin: not applicable. Functional consequence: Effect on ion channel function.
ClinVar note: "not provided" was previously submitted as the classification for the variant. However, the classification appeared to be based only on an observation of functional data so it was converted to no classification on 2025-07-30.

NM_000219.6(KCNE1):c.13A>C (p.Asn5His)

Gene: KCNE1 (potassium voltage-gated channel subfamily E regulatory subunit 1; minus strand). Cytogenetic location: 21q22.12.
Variant type: single nucleotide variant.
Coding change: c.13A>C on transcript NM_000219.6 (MANE Select); coding-DNA position 13, A replaced by C.
Protein change: p.Asn5His; replaces asparagine 5 with histidine.
Molecular consequence: missense variant.
Genome position (GRCh38, 1-based): chr21:34,449,622, T>G on the plus strand (A>C on the coding strand, the complement: KCNE1 is on the minus strand). VCF-style: chr21-34449622-T-G. GRCh37 (hg19) VCF-style: chr21-35821920-T-G.
Other names: c.13A>C, p.Asn5His (NM_001127668.4, NM_001127669.4, NM_001127670.4 and 4 more transcripts); short protein forms N5H.
Identifiers: ClinVar variation 3374116 (VCV003374116.2).
Genomic context (GRCh38, chr21:34,449,622, plus strand): 5'-CACCCTGCTGAACTGTCTCCTGCCACAGCTTGGTCAGAAAGGGCGTCACCGCTGTGGTGT[T>G]AGACAGGATCATCCTGGGCATTAAGGTTCCACTGCTGCAGCTCAAACTTCCCAGGCACAC-3'
Protein context (NP_000210.2, residues 1-15): MILS[Asn5His]TTAVTPFLTK